The following is an entry in ClinVar:

ClinVar aggregate classification (germline): Uncertain significance (1 of 4 stars; one submission).

Submission:

Labcorp Genetics (formerly Invitae), Labcorp
Classification: Uncertain significance. Last evaluated: 2024-03-13. Review status: criteria provided, single submitter. Criteria: Invitae Variant Classification Sherloc (09022015). Collection method: clinical testing. Allele origin: germline.
Comment: This sequence change replaces glutamine, which is neutral and polar, with arginine, which is basic and polar, at codon 407 of the SMAD2 protein (p.Gln407Arg). This variant is not present in population databases (gnomAD no frequency). This variant has not been reported in the literature in individuals affected with SMAD2-related conditions. Advanced modeling of protein sequence and biophysical properties (such as structural, functional, and spatial information, amino acid conservation, physicochemical variation, residue mobility, and thermodynamic stability) performed at Invitae indicates that this missense variant is not expected to disrupt SMAD2 protein function with a negative predictive value of 80%. In summary, the available evidence is currently insufficient to determine the role of this variant in disease. Therefore, it has been classified as a Variant of Uncertain Significance.

NM_005901.6(SMAD2):c.1220A>G (p.Gln407Arg)

Gene: SMAD2 (SMAD family member 2; minus strand). Cytogenetic location: 18q21.1.
Variant type: single nucleotide variant.
Coding change: c.1220A>G on transcript NM_005901.6 (MANE Select); coding-DNA position 1220, A replaced by G.
Protein change: p.Gln407Arg; replaces glutamine 407 with arginine.
Molecular consequence: missense variant.
Genome position (GRCh38, 1-based): chr18:47,845,400, T>C on the plus strand (A>G on the coding strand, the complement: SMAD2 is on the minus strand). VCF-style: chr18-47845400-T-C. GRCh37 (hg19) VCF-style: chr18-45371771-T-C.
Other names: c.1220A>G, p.Gln407Arg (NM_001003652.4); c.1130A>G, p.Gln377Arg (NM_001135937.3); short protein forms Q377R, Q407R.
Identifiers: ClinVar variation 3645878 (VCV003645878.2).